The following is an entry in ClinVar:

NM_000222.3(KIT):c.2858dup (p.His953fs)

Gene: KIT (KIT proto-oncogene, receptor tyrosine kinase; plus strand). Cytogenetic location: 4q12.
Variant type: Duplication.
Coding change: c.2858dup on transcript NM_000222.3 (MANE Select); coding-DNA position 2858, one base duplicated (A; older notation c.2858dupA).
Protein change: p.His953fs; shifts the reading frame from histidine 953.
Molecular consequence: frameshift variant.
Genome position (GRCh38, 1-based): chr4:54,738,484, A duplicated. VCF-style (leftmost placement, unchanged base first): chr4-54738483-C-CA. GRCh37 (hg19) VCF-style: chr4-55604649-C-CA.
Other names: c.2858dupA (NM_000222.2); c.2846dup, p.His949fs (NM_001093772.2, NM_001385292.1); c.2861dup, p.His954fs (NM_001385284.1); c.2855dup, p.His952fs (NM_001385285.1); c.2843dup, p.His948fs (NM_001385286.1); c.2849dup, p.His950fs (NM_001385288.1); c.2858dup, p.His953fs (NM_001385290.1); short protein forms H952fs, H948fs, H949fs, H953fs, H950fs, H954fs.
Identifiers: ClinVar variation 3864518 (VCV003864518.2).

ClinVar aggregate classification (germline): Uncertain significance (1 of 4 stars; one submission).

Conditions:
Hereditary cancer-predisposing syndrome. Also called: Hereditary Cancer Syndrome; Hereditary neoplastic syndrome; Neoplastic Syndromes, Hereditary; Tumor predisposition. Identifiers: Orphanet 140162, MedGen C0027672, MeSH D009386, MONDO:0015356.

Submission:

Ambry Genetics
Classification: Uncertain significance for Hereditary cancer-predisposing syndrome. Last evaluated: 2026-08-04. Review status: criteria provided, single submitter. Criteria: Ambry Variant Classification Scheme 2023. Collection method: clinical testing. Allele origin: germline.
Comment: The c.2858dupA variant, located in coding exon 21 of the KIT gene, results from a duplication of A at nucleotide position 2858, causing a translational frameshift with a predicted alternate stop codon (p.H953Qfs*96). This variant occurs at the 3' terminus of the gene and is not expected to trigger nonsense-mediated mRNA decay. Based on the available evidence, the clinical significance of this variant remains unclear.